The following is an entry in ClinVar:

ClinVar aggregate classification (germline): Uncertain significance. Review status: criteria provided, multiple submitters, no conflicts (2 of 4 stars). 2 submissions from 2 submitters: Uncertain significance (2). Last evaluated 2025-12-08.

Allele frequency attached by ClinVar (database versions not stated): gnomAD exomes 0.00006; TOPMed 0.00007; ExAC 0.00008; gnomAD 0.00009; 1000 Genomes Project 0.00020; 1000 Genomes Project 30x 0.00031.
gnomAD v4.1: 128 of 1,614,146 alleles (0.0079%); highest among the groups gnomAD compares: Admixed American, 0.015%; no homozygotes.

Submissions (2):

Labcorp Genetics (formerly Invitae), Labcorp
Classification: Uncertain significance. Last evaluated: 2025-12-08. Review status: criteria provided, single submitter. Criteria: Invitae Variant Classification Sherloc (09022015). Collection method: clinical testing. Allele origin: germline.
Comment: This sequence change replaces threonine, which is neutral and polar, with proline, which is neutral and non-polar, at codon 75 of the AK7 protein (p.Thr75Pro). This variant is present in population databases (rs117932049, gnomAD 0.01%). This variant has not been reported in the literature in individuals affected with AK7-related conditions. ClinVar contains an entry for this variant (Variation ID: 1426838). Invitae Evidence Modeling of protein sequence and biophysical properties (such as structural, functional, and spatial information, amino acid conservation, physicochemical variation, residue mobility, and thermodynamic stability) indicates that this missense variant is not expected to disrupt AK7 protein function with a negative predictive value of 80%. In summary, the available evidence is currently insufficient to determine the role of this variant in disease. Therefore, it has been classified as a Variant of Uncertain Significance.

Ambry Genetics
Classification: Uncertain significance. Last evaluated: 2024-10-24. Review status: criteria provided, single submitter. Criteria: Ambry Variant Classification Scheme 2023. Collection method: clinical testing. Allele origin: germline.

NM_152327.5(AK7):c.223A>C (p.Thr75Pro)

Gene: AK7 (adenylate kinase 7; plus strand). Cytogenetic location: 14q32.2.
Variant type: single nucleotide variant.
Coding change: c.223A>C on transcript NM_152327.5 (MANE Select); coding-DNA position 223, A replaced by C.
Protein change: p.Thr75Pro; replaces threonine 75 with proline.
Molecular consequence: missense variant.
Genome position (GRCh38, 1-based): chr14:96,398,192, A>C. VCF-style: chr14-96398192-A-C. GRCh37 (hg19) VCF-style: chr14-96864529-A-C.
Other names: c.223A>C, p.Thr75Pro (NM_001350888.2, NM_001350890.2, NM_001350891.2 and 1 more transcripts); c.223A>C (NM_152327.2); short protein forms T75P.
Identifiers: ClinVar variation 1426838 (VCV001426838.8), dbSNP rs117932049, ClinGen allele CA7337376.
Genomic context (GRCh38, chr14:96,398,192, plus strand): 5'-GAGGAAGATGAAAATAAGTCAGCTATGCTGGAAGCTTCCTCAACCAAAGTGAAGGAAGGC[A>C]CATTCCAGATTGTGGGCACGCTGTCCAAGCCTGACAGCCCGCGGCCTGACTTTGCGGTGG-3'
Protein context (NP_689540.2, residues 65-85): EASSTKVKEG[Thr75Pro]FQIVGTLSKP